The following is an entry in ClinVar:

ClinVar aggregate classification (germline): Pathogenic (1 of 4 stars; one submission).

Submission:

Labcorp Genetics (formerly Invitae), Labcorp
Classification: Pathogenic. Last evaluated: 2025-09-17. Review status: criteria provided, single submitter. Criteria: Invitae Variant Classification Sherloc (09022015). Collection method: clinical testing. Allele origin: germline.
Comment: This sequence change creates a premature translational stop signal (p.Gly903Valfs*7) in the PCDH15 gene. It is expected to result in an absent or disrupted protein product. Loss-of-function variants in PCDH15 are known to be pathogenic (PMID: 11398101, 11487575, 14570705). This variant is not present in population databases (gnomAD no frequency). This variant has not been reported in the literature in individuals affected with PCDH15-related conditions. For these reasons, this variant has been classified as Pathogenic.

Literature cited by the submitters: PubMed 11398101; PubMed 11487575; PubMed 14570705.

NM_001384140.1(PCDH15):c.2708_2723del (p.Gly903fs)

Gene: PCDH15 (protocadherin related 15; minus strand). Cytogenetic location: 10q21.1.
Variant type: Deletion.
Coding change: c.2708_2723del on transcript NM_001384140.1 (MANE Select); coding-DNA positions 2708 to 2723, 16 bases deleted (GAACAATGCCACCTGG).
Protein change: p.Gly903fs; shifts the reading frame from glycine 903.
Molecular consequence: frameshift variant.
Genome position (GRCh38, 1-based): chr10:54,020,220-54,020,235, CCAGGTGGCATTGTTC deleted on the plus strand (GAACAATGCCACCTGG on the coding strand, the reverse complement: PCDH15 is on the minus strand); deleting any 16 consecutive bases within chr10:54,020,220-54,020,236 gives the same sequence; the c. name uses the placement nearest the transcript's 3' end. VCF-style (leftmost placement, unchanged base first): chr10-54020219-ACCAGGTGGCATTGTTC-A. GRCh37 (hg19) VCF-style: chr10-55779979-ACCAGGTGGCATTGTTC-A.
Other names: c.2723_2738del, p.Gly908fs (NM_001142763.2, NM_001142771.2); c.2708_2723del, p.Gly903fs (NM_001142764.2, NM_001142766.2, NM_001142770.3 and 5 more transcripts); c.2495_2510del, p.Gly832fs (NM_001142765.2); c.2597_2612del, p.Gly866fs (NM_001142767.2); c.2642_2657del, p.Gly881fs (NM_001142768.2, NM_001142773.2, NM_001354404.2); c.2743_2758del16, p.Gly915Valfs (NM_001142769.4); c.2729_2744del, p.Gly910fs (NM_001354411.2); short protein forms G866fs, G903fs, G910fs, G832fs, G881fs, G915fs, G908fs.
Identifiers: ClinVar variation 4727370 (VCV004727370.1).
Genomic context (GRCh38, chr10:54,020,219, plus strand): 5'-AGCAGGCAACCAGAAGTCATCTCTAGCCCTTACCTTTACAATCACTGTGACAGTAGCAAT[ACCAGGTGGCATTGTTC>A]CATAAATATCAAAGGCCTCTACCAGAAAAGTGATACTTGCTTCTTGGTCTGGAAATGCCT-3'